The following is an entry in ClinVar:

ClinVar aggregate classification (germline): Likely benign (1 of 4 stars; one submission).

Allele frequency attached by ClinVar (database versions not stated): ESP Exome Variant Server 0.00008; gnomAD exomes below 0.00001.
gnomAD v4.1: 4 of 1,608,042 alleles (0.00025%); highest among the groups gnomAD compares: Non-Finnish European, 0.00025%; no homozygotes.

Submission:

Laboratory for Molecular Medicine, Mass General Brigham Personalized Medicine
Classification: Likely benign. Last evaluated: 2012-04-30. Review status: criteria provided, single submitter. Criteria: LMM Criteria. Collection method: clinical testing. Allele origin: germline. Observed: 1 variant allele.
Comment: c.1803+11A>G in Intron 15 of OTOF: This variant is not expected to have clinical significance because it is not located within the conserved splice consensus se quence and has been identified in 1/7018 European American chromosomes from a br oad population by the NHLBI Exome Sequencing Project (du/EVS).

NM_194248.3(OTOF):c.1803+11A>G

Gene: OTOF (otoferlin; minus strand). Cytogenetic location: 2p23.3.
Variant type: single nucleotide variant.
Coding change: c.1803+11A>G on transcript NM_194248.3 (MANE Select); 11 bases into the intron after coding-DNA position 1803, A replaced by G.
Molecular consequence: intron variant.
Genome position (GRCh38, 1-based): chr2:26,480,775, T>C on the plus strand (A>G on the coding strand, the complement: OTOF is on the minus strand). VCF-style: chr2-26480775-T-C. GRCh37 (hg19) VCF-style: chr2-26703643-T-C.
Other names: c.1803+11A>G (NM_001287489.2).
Identifiers: ClinVar variation 504662 (VCV000504662.5), dbSNP rs372583354, ClinGen allele CA44400958.
Genomic context (GRCh38, chr2:26,480,775, plus strand): 5'-ACCCAGGTGACTCAGGGAGAAGGGGGCTGAGCTGGAGGCCCTGGGGGACAGCACAGTGCC[T>C]GGGGTCTCACCTCCGAGATGGGCGTGGCCTGCTCCACCTGCACCTCTGTGGAGCTGGTGA-3'